The following is an entry in ClinVar:

ClinVar aggregate classification (germline): Uncertain significance (1 of 4 stars; one submission).

gnomAD v4.1: 1 of 1,614,196 alleles (0.000062%); highest among the groups gnomAD compares: Non-Finnish European, 0.000085%; no homozygotes.

Submission:

GeneDx
Classification: Uncertain significance. Last evaluated: 2024-05-29. Review status: criteria provided, single submitter. Criteria: GeneDx Variant Classification Process June 2021. Collection method: clinical testing. Allele origin: germline. Affected: yes.
Comment: Not observed at significant frequency in large population cohorts (gnomAD); In silico analysis supports that this missense variant has a deleterious effect on protein structure/function; Has not been previously published as pathogenic or benign to our knowledge

NM_004408.4(DNM1):c.751G>A (p.Ala251Thr)

Gene: DNM1 (dynamin 1; plus strand). Cytogenetic location: 9q34.11.
Variant type: single nucleotide variant.
Coding change: c.751G>A on transcript NM_004408.4 (MANE Select); coding-DNA position 751, G replaced by A.
Protein change: p.Ala251Thr; replaces alanine 251 with threonine.
Molecular consequence: missense variant.
Genome position (GRCh38, 1-based): chr9:128,220,243, G>A. VCF-style: chr9-128220243-G-A. GRCh37 (hg19) VCF-style: chr9-130982522-G-A.
Other names: c.751G>A, p.Ala251Thr (NM_001005336.3, NM_001288737.2, NM_001288738.2 and 2 more transcripts); short protein forms A251T.
Identifiers: ClinVar variation 3383678 (VCV003383678.1).